The following is an entry in ClinVar:

NM_000307.5(POU3F4):c.283C>T (p.His95Tyr)

Gene: POU3F4 (POU class 3 homeobox 4; plus strand). Cytogenetic location: Xq21.1.
Variant type: single nucleotide variant.
Coding change: c.283C>T on transcript NM_000307.5 (MANE Select); coding-DNA position 283, C replaced by T.
Protein change: p.His95Tyr; replaces histidine 95 with tyrosine.
Molecular consequence: missense variant.
Genome position (GRCh38, 1-based): chrX:83,508,607, C>T. VCF-style: chrX-83508607-C-T. GRCh37 (hg19) VCF-style: chrX-82763615-C-T.
Other names: short protein forms H95Y.
Identifiers: ClinVar variation 452361 (VCV000452361.2), dbSNP rs1555984481, ClinGen allele CA413751200.

ClinVar aggregate classification (germline): Uncertain significance (1 of 4 stars; one submission).

Submission:

GeneDx
Classification: Uncertain significance. Last evaluated: 2017-10-06. Review status: criteria provided, single submitter. Criteria: GeneDx Variant Classification (06012015). Collection method: clinical testing. Allele origin: germline. Affected: yes.
Comment: The H95Y variant has not been published as a pathogenic variant, nor has it been reported as a benign variant to our knowledge. The variant is not observed in large population cohorts (Lek et al., 2016). H95Y is a non-conservative amino acid substitution, which is likely to impact secondary protein structure as these residues differ in polarity, charge, size and/or other properties. This substitution occurs at a position that is conserved across species, and in silico analysis predicts this variant is probably damaging to the protein structure/function. In summary, based on the currently available information, it is unclear whether this variant is a pathogenic variant or a rare benign variant.